The following is an entry in ClinVar:

ClinVar aggregate classification (germline): Uncertain significance. Review status: criteria provided, multiple submitters, no conflicts (2 of 4 stars). 2 submissions from 2 submitters: Uncertain significance (2). Last evaluated 2025-10-14.

Conditions:
Pierson syndrome. Also called: MICROCORIA-CONGENITAL NEPHROTIC SYNDROME. Identifiers: Orphanet 2670, MedGen C1836876, MONDO:0012184, OMIM 609049.
LAMB2-related infantile-onset nephrotic syndrome. Also called: NEPHROTIC SYNDROME, TYPE 5, WITHOUT OCULAR ABNORMALITIES; NEPHROTIC SYNDROME, TYPE 5, WITH OCULAR ABNORMALITIES; Nephrotic Syndrome, type 5. Identifiers: Orphanet 306507, MedGen C3280113, MONDO:0013621, OMIM 614199.
Inborn genetic diseases. Identifiers: MedGen C0950123, MeSH D030342.

Allele frequency attached by ClinVar (database versions not stated): TOPMed below 0.00001.
gnomAD v4.1: 4 of 1,613,148 alleles (0.00025%); highest among the groups gnomAD compares: Non-Finnish European, 0.00034%; no homozygotes.

Submissions (2):

Ambry Genetics
Classification: Uncertain significance for Inborn genetic diseases. Last evaluated: 2025-10-14. Review status: criteria provided, single submitter. Criteria: Ambry Variant Classification Scheme 2023. Collection method: clinical testing. Allele origin: germline.

Labcorp Genetics (formerly Invitae), Labcorp
Classification: Uncertain significance for LAMB2-related infantile-onset nephrotic syndrome; Pierson syndrome. Last evaluated: 2022-04-18. Review status: criteria provided, single submitter. Criteria: Invitae Variant Classification Sherloc (09022015). Collection method: clinical testing. Allele origin: germline.
Comment: In summary, the available evidence is currently insufficient to determine the role of this variant in disease. Therefore, it has been classified as a Variant of Uncertain Significance. Algorithms developed to predict the effect of missense changes on protein structure and function are either unavailable or do not agree on the potential impact of this missense change (SIFT: "Deleterious"; PolyPhen-2: "Probably Damaging"; Align-GVGD: "Class C0"). This variant has not been reported in the literature in individuals affected with LAMB2-related conditions. This variant is not present in population databases (gnomAD no frequency). This sequence change replaces histidine, which is basic and polar, with tyrosine, which is neutral and polar, at codon 514 of the LAMB2 protein (p.His514Tyr).

NM_002292.4(LAMB2):c.1540C>T (p.His514Tyr)

Gene: LAMB2 (laminin subunit beta 2; minus strand). Cytogenetic location: 3p21.31.
Variant type: single nucleotide variant.
Coding change: c.1540C>T on transcript NM_002292.4 (MANE Select); coding-DNA position 1540, C replaced by T.
Protein change: p.His514Tyr; replaces histidine 514 with tyrosine.
Molecular consequence: missense variant.
Genome position (GRCh38, 1-based): chr3:49,129,303, G>A on the plus strand (C>T on the coding strand, the complement: LAMB2 is on the minus strand). VCF-style: chr3-49129303-G-A. GRCh37 (hg19) VCF-style: chr3-49166736-G-A.
Other names: c.1540C>T (NM_002292.3); short protein forms H514Y.
Identifiers: ClinVar variation 1978343 (VCV001978343.5), dbSNP rs2045456802, ClinGen allele CA352735974.